The following is an entry in ClinVar:

NM_000035.4(ALDOB):c.*752C>G

Gene: ALDOB (aldolase, fructose-bisphosphate B; minus strand). Cytogenetic location: 9q31.1.
Variant type: single nucleotide variant.
Coding change: c.*752C>G on transcript NM_000035.4 (MANE Select); 752 bases downstream of the stop codon, C replaced by G.
Molecular consequence: 3 prime UTR variant.
Genome position (GRCh38, 1-based): chr9:101,421,057, G>C on the plus strand (C>G on the coding strand, the complement: ALDOB is on the minus strand). VCF-style: chr9-101421057-G-C. GRCh37 (hg19) VCF-style: chr9-104183339-G-C.
Other names: c.*752C>G (LRG_1244t1).
Identifiers: ClinVar variation 364294 (VCV000364294.5), dbSNP rs555999328, ClinGen allele CA10631944.

ClinVar aggregate classification (germline): Likely benign (1 of 4 stars; one submission).

Conditions:
Hereditary fructosuria. Also called: Fructose intolerance; ALDOB DEFICIENCY; ALDOLASE B DEFICIENCY; FRUCTOSE-1,6-BISPHOSPHATE ALDOLASE B DEFICIENCY; FRUCTOSE-1-PHOSPHATE ALDOLASE DEFICIENCY; FRUCTOSEMIA. Identifiers: Orphanet 469, MedGen C0016751, MONDO:0009249, OMIM 229600, HP:0005973. Disease mechanism: loss of function.

Allele frequency attached by ClinVar (database versions not stated): 1000 Genomes Project 0.00060; 1000 Genomes Project 30x 0.00062; gnomAD 0.00090 and 0.00098; TOPMed 0.00109.
gnomAD v4.1: 135 of 152,484 alleles (0.089%); highest among the groups gnomAD compares: African/African-American, 0.32%; no homozygotes.

Submission:

Illumina Laboratory Services, Illumina
Classification: Likely benign for Hereditary fructosuria. Last evaluated: 2018-01-13. Review status: criteria provided, single submitter. Criteria: ICSL Variant Classification Criteria 13 December 2019. Collection method: clinical testing. Allele origin: germline.
Comment: This variant was observed in the ICSL laboratory as part of a predisposition screen in an ostensibly healthy population. It had not been previously curated by ICSL or reported in the Human Gene Mutation Database (HGMD: prior to June 1st, 2018), and was therefore a candidate for classification through an automated scoring system. Utilizing variant allele frequency, disease prevalence and penetrance estimates, and inheritance mode, an automated score was calculated to assess if this variant is too frequent to cause the disease. Based on the score and internal cut-off values, a variant classified as likely benign is not then subjected to further curation. The score for this variant resulted in a classification of likely benign for this disease.